The following is an entry in ClinVar:

ClinVar aggregate classification (germline): Likely benign. Review status: criteria provided, multiple submitters, no conflicts (2 of 4 stars). 3 submissions from 3 submitters: Likely benign (3). Last evaluated 2025-09-14.

Conditions:
Progressive myoclonic epilepsy. Also called: Familial progressive myoclonic epilepsy; Myoclonic Epilepsies, Progressive; Myoclonus epilepsy; Progressive myoclonus epilepsy. Identifiers: Orphanet 308, Orphanet 98261, MedGen C0751778, MONDO:0020074.
Action myoclonus-renal failure syndrome. Also called: MYOCLONUS-NEPHROPATHY SYNDROME; EPILEPSY, PROGRESSIVE MYOCLONIC, 4, WITH RENAL FAILURE; EPILEPSY, PROGRESSIVE MYOCLONIC, 4, WITHOUT RENAL FAILURE; SCARB2-Related Action Myoclonus-Renal Failure Syndrome. Identifiers: Orphanet 163696, MedGen C0751779, MeSH D020191, MONDO:0009699, OMIM 254900.

Allele frequency attached by ClinVar (database versions not stated): ExAC 0.00003; gnomAD 0.00004; gnomAD exomes 0.00004 and 0.00008; TOPMed 0.00005.
gnomAD v4.1: 128 of 1,611,502 alleles (0.0079%); highest among the groups gnomAD compares: Non-Finnish European, 0.01%; no homozygotes.

Submissions (3):

Labcorp Genetics (formerly Invitae), Labcorp
Classification: Likely benign for Progressive myoclonic epilepsy. Last evaluated: 2025-09-14. Review status: criteria provided, single submitter. Criteria: Invitae Variant Classification Sherloc (09022015). Collection method: clinical testing. Allele origin: germline.

Fulgent Genetics
Classification: Likely benign for Action myoclonus-renal failure syndrome. Last evaluated: 2021-11-24. Review status: criteria provided, single submitter. Criteria: ACMG Guidelines, 2015. Collection method: clinical testing. Allele origin: unknown.

GeneDx
Classification: Likely benign. Last evaluated: 2017-04-11. Review status: criteria provided, single submitter. Criteria: GeneDx Variant Classification (06012015). Collection method: clinical testing. Allele origin: germline. Affected: yes.
Comment: This variant is considered likely benign or benign based on one or more of the following criteria: it is a conservative change, it occurs at a poorly conserved position in the protein, it is predicted to be benign by multiple in silico algorithms, and/or has population frequency not consistent with disease.

NM_005506.4(SCARB2):c.1089T>C (p.His363=)

Gene: SCARB2 (scavenger receptor class B member 2; minus strand). Cytogenetic location: 4q21.1.
Variant type: single nucleotide variant.
Coding change: c.1089T>C on transcript NM_005506.4 (MANE Select); coding-DNA position 1089, T replaced by C.
Protein change: p.His363=; no amino-acid change (histidine 363 retained).
Molecular consequence: synonymous variant.
Genome position (GRCh38, 1-based): chr4:76,169,891, A>G on the plus strand (T>C on the coding strand, the complement: SCARB2 is on the minus strand). VCF-style: chr4-76169891-A-G. GRCh37 (hg19) VCF-style: chr4-77091044-A-G.
Other names: c.660T>C, p.His220= (NM_001204255.2).
Identifiers: ClinVar variation 389506 (VCV000389506.13), dbSNP rs753197792, ClinGen allele CA2970187.